The following is an entry in ClinVar:

ClinVar aggregate classification (germline): Likely benign (0 of 4 stars; one submission).

Conditions:
UBR1-related disorder. Also called: UBR1-related condition.

Submission:

PreventionGenetics, part of Exact Sciences
Classification: Likely benign for UBR1-related condition. Last evaluated: 2021-05-06. Review status: no assertion criteria provided. Collection method: clinical testing. Allele origin: germline.
Comment: This variant is classified as likely benign based on ACMG/AMP sequence variant interpretation guidelines (Richards et al. 2015 PMID: 25741868, with internal and published modifications).

NM_174916.3(UBR1):c.2941-9_2941-5del

Gene: UBR1 (ubiquitin protein ligase E3 component n-recognin 1; minus strand). Cytogenetic location: 15q15.2.
Variant type: Deletion.
Coding change: c.2941-9_2941-5del on transcript NM_174916.3 (MANE Select); 9 bases into the intron before coding-DNA position 2941 through 5 bases into the intron before coding-DNA position 2941, 5 bases deleted (TTTTC; older notation c.2941-9_2941-5delTTTTC).
Molecular consequence: intron variant.
Genome position (GRCh38, 1-based): chr15:43,017,186-43,017,190, GAAAA deleted on the plus strand (TTTTC on the coding strand, the reverse complement: UBR1 is on the minus strand). VCF-style (leftmost placement, unchanged base first): chr15-43017185-TGAAAA-T. GRCh37 (hg19) VCF-style: chr15-43309383-TGAAAA-T.
Identifiers: ClinVar variation 3057269 (VCV003057269.2), dbSNP rs2542962107, ClinGen allele CA2628081767.
Genomic context (GRCh38, chr15:43,017,185, plus strand): 5'-TGTGGTTGCTACAATTAAACAAGATTTTTCTCTTAATCGCTTCACTGTGTCAAACATCTG[TGAAAA>T]ACAGATGAAACGTTAAAAGAGTTAGTTAGACTGTTAGACCGACCAGGAACAGAAACATTC-3'